The following is an entry in ClinVar:

NM_001034853.2(RPGR):c.1687G>A (p.Val563Met)

Gene: RPGR (retinitis pigmentosa GTPase regulator; minus strand). Cytogenetic location: Xp11.4.
Variant type: single nucleotide variant.
Coding change: c.1687G>A on transcript NM_001034853.2 (MANE Select); coding-DNA position 1687, G replaced by A.
Protein change: p.Val563Met; replaces valine 563 with methionine.
Molecular consequence: missense variant. On other transcripts: non-coding transcript variant (1), intron variant (5).
Genome position (GRCh38, 1-based): chrX:38,287,927, C>T on the plus strand (G>A on the coding strand, the complement: RPGR is on the minus strand). VCF-style: chrX-38287927-C-T. GRCh37 (hg19) VCF-style: chrX-38147180-C-T.
Other names: c.1687G>A (NM_000328.2, NM_001034853.1); c.1687G>A, p.Val563Met (NM_000328.3); c.1684G>A, p.Val562Met (NM_001367245.1); c.1501G>A, p.Val501Met (NM_001367246.1); c.1569+3032G>A (NM_001367249.1, NM_001367250.1); c.1386+3032G>A (NM_001367251.1); c.1572+3032G>A (NM_001367247.1); c.1602+3032G>A (NM_001367248.1); short protein forms V501M, V562M, V563M.
Identifiers: ClinVar variation 1397996 (VCV001397996.10), dbSNP rs148334278, ClinGen allele CA10385426.

ClinVar aggregate classification (germline): Likely benign. Review status: criteria provided, multiple submitters, no conflicts (2 of 4 stars). 3 submissions from 3 submitters: Likely benign (2). 1 of the submissions does not count toward it. Last evaluated 2025-09-04.

Conditions:
RPGR-related disorder. Also called: RPGR-related condition.
Primary ciliary dyskinesia. Also called: Ciliary dyskinesia. Identifiers: Orphanet 244, MedGen C0008780, MONDO:0016575, HP:0012265.

Allele frequency attached by ClinVar (database versions not stated): ExAC 0.00003; gnomAD exomes 0.00004 and 0.00009; gnomAD 0.00005; TOPMed 0.00008; 1000 Genomes Project 0.00026; 1000 Genomes Project 30x 0.00042.
gnomAD v4.1: 98 of 1,209,467 alleles (0.0081%); highest among the groups gnomAD compares: Non-Finnish European, 0.01%; no homozygotes.

Submissions (3):

Labcorp Genetics (formerly Invitae), Labcorp
Classification: Likely benign for Primary ciliary dyskinesia. Last evaluated: 2025-09-04. Review status: criteria provided, single submitter. Criteria: Invitae Variant Classification Sherloc (09022015). Collection method: clinical testing. Allele origin: germline.

Blueprint Genetics
Classification: Likely benign. Last evaluated: 2022-10-31. Review status: criteria provided, single submitter. Criteria: ACMG Guidelines, 2015. Collection method: clinical testing. Allele origin: germline.

PreventionGenetics, part of Exact Sciences
Classification: Likely benign for RPGR-related condition. Last evaluated: 2024-09-12. Review status: no assertion criteria provided. Collection method: clinical testing. Allele origin: germline. Not counted in ClinVar's aggregate classification.
Comment: This variant is classified as likely benign based on ACMG/AMP sequence variant interpretation guidelines (Richards et al. 2015 PMID: 25741868, with internal and published modifications).